The following is an entry in ClinVar:

NM_170699.3(GPBAR1):c.761G>A (p.Arg254His)

Gene: GPBAR1 (G protein-coupled bile acid receptor 1; plus strand). Cytogenetic location: 2q35.
Variant type: single nucleotide variant.
Coding change: c.761G>A on transcript NM_170699.3 (MANE Select); coding-DNA position 761, G replaced by A.
Protein change: p.Arg254His; replaces arginine 254 with histidine.
Molecular consequence: missense variant.
Genome position (GRCh38, 1-based): chr2:218,263,485, G>A. VCF-style: chr2-218263485-G-A. GRCh37 (hg19) VCF-style: chr2-219128208-G-A.
Other names: c.761G>A, p.Arg254His (NM_001077191.2, NM_001077194.2, NM_001321950.2); short protein forms R254H.
Identifiers: ClinVar variation 3354746 (VCV003354746.1).

ClinVar aggregate classification (germline): Uncertain significance (0 of 4 stars; one submission).

Conditions:
GPBAR1-related disorder. Also called: GPBAR1-related condition.

gnomAD v4.1: 15 of 1,605,838 alleles (0.00093%); highest among the groups gnomAD compares: South Asian, 0.0089%; no homozygotes.

Submission:

PreventionGenetics, part of Exact Sciences
Classification: Uncertain significance for GPBAR1-related condition. Last evaluated: 2024-03-25. Review status: no assertion criteria provided. Collection method: clinical testing. Allele origin: germline.
Comment: The GPBAR1 c.761G>A variant is predicted to result in the amino acid substitution p.Arg254His. To our knowledge, this variant has not been reported in the literature. This variant is reported in 0.011% of alleles in individuals of East Asian descent in gnomAD. At this time, the clinical significance of this variant is uncertain due to the absence of conclusive functional and genetic evidence.